The following is an entry in ClinVar:

NM_001283009.2(RTEL1):c.1433C>G (p.Thr478Ser)

Genes: RTEL1 (regulator of telomere elongation helicase 1; plus strand), RTEL1-TNFRSF6B (RTEL1-TNFRSF6B readthrough (NMD candidate); plus strand). Cytogenetic location: 20q13.33.
Variant type: single nucleotide variant.
Coding change: c.1433C>G on transcript NM_001283009.2 (MANE Select); coding-DNA position 1433, C replaced by G.
Protein change: p.Thr478Ser; replaces threonine 478 with serine.
Molecular consequence: missense variant. On other transcripts: non-coding transcript variant (1).
Genome position (GRCh38, 1-based): chr20:63,687,722, C>G. VCF-style: chr20-63687722-C-G. GRCh37 (hg19) VCF-style: chr20-62319075-C-G.
Other names: c.764C>G, p.Thr255Ser (NM_001283010.1); c.1433C>G, p.Thr478Ser (NM_016434.4); c.1505C>G, p.Thr502Ser (NM_032957.5); short protein forms T478S, T255S, T502S.
Identifiers: ClinVar variation 3948253 (VCV003948253.1).

ClinVar aggregate classification (germline): Uncertain significance (1 of 4 stars; one submission).

Conditions:
Inborn genetic diseases. Identifiers: MedGen C0950123, MeSH D030342.

gnomAD v4.1: 2 of 1,598,956 alleles (0.00013%); highest among the groups gnomAD compares: African/African-American, 0.0013%; no homozygotes.

Submission:

Ambry Genetics
Classification: Uncertain significance for Inborn genetic diseases. Last evaluated: 2025-03-26. Review status: criteria provided, single submitter. Criteria: Ambry Variant Classification Scheme 2023. Collection method: clinical testing. Allele origin: germline.
Comment: The p.T478S variant (also known as c.1433C>G), located in coding exon 16 of the RTEL1 gene, results from a C to G substitution at nucleotide position 1433. The threonine at codon 478 is replaced by serine, an amino acid with similar properties. This amino acid position is conserved. In addition, the in silico prediction for this alteration is inconclusive. Based on the available evidence, the clinical significance of this variant remains unclear.